The following is an entry in ClinVar:

NM_000428.3(LTBP2):c.450G>T (p.Arg150=)

Gene: LTBP2 (latent transforming growth factor beta binding protein 2; minus strand). Cytogenetic location: 14q24.3.
Variant type: single nucleotide variant.
Coding change: c.450G>T on transcript NM_000428.3 (MANE Select); coding-DNA position 450, G replaced by T.
Protein change: p.Arg150=; no amino-acid change (arginine 150 retained).
Molecular consequence: synonymous variant.
Genome position (GRCh38, 1-based): chr14:74,611,495, C>A on the plus strand (G>T on the coding strand, the complement: LTBP2 is on the minus strand). VCF-style: chr14-74611495-C-A. GRCh37 (hg19) VCF-style: chr14-75078198-C-A.
Identifiers: ClinVar variation 314317 (VCV000314317.25), dbSNP rs111342797, ClinGen allele CA7270198.
Genomic context (GRCh38, chr14:74,611,495, plus strand): 5'-CCTCTCCCATGCTCACCCCGTGAGCCGCCCTCGCGGCGGGGTTGGGGGCGCAGCCCCAGA[C>A]CGCTGTGGGGTCCCCAGGCGTGGGAGAGCCGGCGCGGCCCGGGTCCGGGGTGCTGGTTGC-3'
Protein context (NP_000419.1, residues 140-160): PALPRLGTPQ[Arg150=]SGAAPPTPPR

ClinVar aggregate classification (germline): Conflicting classifications of pathogenicity. Review status: criteria provided, conflicting classifications (1 of 4 stars). 6 submissions from 5 submitters: Uncertain significance (1); Benign (1); Likely benign (4). Last evaluated 2026-02-02.

Conditions:
Weill-Marchesani syndrome. Also called: WM Syndrome; Mesodermal dysmorphodystrophy congenital. Identifiers: Orphanet 3449, MedGen C0265313, MONDO:0018096.
Glaucoma 3, primary congenital, D. Identifiers: Orphanet 98976, MedGen C2751316, MONDO:0013122, OMIM 613086.

Allele frequency attached by ClinVar (database versions not stated): 1000 Genomes Project 30x 0.00187; 1000 Genomes Project 0.00200; ESP Exome Variant Server 0.00209; gnomAD 0.00290 and 0.00299; TOPMed 0.00312.
gnomAD v4.1: 828 of 1,513,898 alleles (0.055%); highest among the groups gnomAD compares: African/African-American, 1%; 8 homozygotes.

Submissions (6):

Labcorp Genetics (formerly Invitae), Labcorp
Classification: Benign. Last evaluated: 2026-02-02. Review status: criteria provided, single submitter. Criteria: Invitae Variant Classification Sherloc (09022015). Collection method: clinical testing. Allele origin: germline.

CeGaT Center for Human Genetics Tuebingen
Classification: Likely benign. Last evaluated: 2025-08-01. Review status: criteria provided, single submitter. Criteria: CeGaT Center For Human Genetics Tuebingen Variant Classification Criteria Version 2. Collection method: clinical testing. Allele origin: germline. Affected: yes. Observed: 1 variant allele.
Comment: LTBP2: BP4, BP7, BS1

Blueprint Genetics
Classification: Likely benign. Last evaluated: 2024-09-02. Review status: criteria provided, single submitter. Criteria: ACMG Guidelines, 2015. Collection method: clinical testing. Allele origin: germline.

GeneDx
Classification: Likely benign. Last evaluated: 2020-03-07. Review status: criteria provided, single submitter. Criteria: GeneDx Variant Classification Process June 2021. Collection method: clinical testing. Allele origin: germline. Affected: yes.

Illumina Laboratory Services, Illumina
Classification: Uncertain significance for Glaucoma 3, primary congenital, D. Last evaluated: 2018-01-12. Review status: criteria provided, single submitter. Criteria: ICSL Variant Classification Criteria 13 December 2019. Collection method: clinical testing. Allele origin: germline.

Illumina Laboratory Services, Illumina
Classification: Likely benign for Weill-Marchesani syndrome. Last evaluated: 2018-01-12. Review status: criteria provided, single submitter. Criteria: ICSL Variant Classification Criteria 13 December 2019. Collection method: clinical testing. Allele origin: germline.
Comment: This variant was observed in the ICSL laboratory as part of a predisposition screen in an ostensibly healthy population. It had not been previously curated by ICSL or reported in the Human Gene Mutation Database (HGMD: prior to June 1st, 2018), and was therefore a candidate for classification through an automated scoring system. Utilizing variant allele frequency, disease prevalence and penetrance estimates, and inheritance mode, an automated score was calculated to assess if this variant is too frequent to cause the disease. Based on the score and internal cut-off values, a variant classified as likely benign is not then subjected to further curation. The score for this variant resulted in a classification of likely benign for this disease.